The following is an entry in ClinVar:

ClinVar aggregate classification (germline): Uncertain significance (1 of 4 stars; one submission).

Conditions:
Familial cancer of breast. Also called: hereditary breast carcinoma; BREAST CANCER, FAMILIAL; Hereditary breast cancer. Identifiers: Orphanet 227535, MedGen C0346153, MONDO:0016419, OMIM 114480. Disease mechanism: loss of function.

gnomAD v4.1: 2 of 1,614,114 alleles (0.00012%); highest among the groups gnomAD compares: Admixed American, 0.0033%; no homozygotes.

Submission:

Labcorp Genetics (formerly Invitae), Labcorp
Classification: Uncertain significance for Familial cancer of breast. Last evaluated: 2025-04-10. Review status: criteria provided, single submitter. Criteria: Invitae Variant Classification Sherloc (09022015). Collection method: clinical testing. Allele origin: germline.
Comment: This sequence change replaces alanine, which is neutral and non-polar, with glycine, which is neutral and non-polar, at codon 245 of the PALB2 protein (p.Ala245Gly). This variant is present in population databases (rs571063157, gnomAD 0.006%). This variant has not been reported in the literature in individuals affected with PALB2-related conditions. ClinVar contains an entry for this variant (Variation ID: 2830394). An algorithm developed to predict the effect of missense changes on protein structure and function (PolyPhen-2) suggests that this variant is likely to be tolerated. In summary, the available evidence is currently insufficient to determine the role of this variant in disease. Therefore, it has been classified as a Variant of Uncertain Significance.

NM_024675.4(PALB2):c.734C>G (p.Ala245Gly)

Gene: PALB2 (partner and localizer of BRCA2; minus strand). Cytogenetic location: 16p12.2.
Variant type: single nucleotide variant.
Coding change: c.734C>G on transcript NM_024675.4 (MANE Select); coding-DNA position 734, C replaced by G.
Protein change: p.Ala245Gly; replaces alanine 245 with glycine.
Molecular consequence: missense variant. On other transcripts: 5 prime UTR variant (8), intron variant (3).
Genome position (GRCh38, 1-based): chr16:23,635,812, G>C on the plus strand (C>G on the coding strand, the complement: PALB2 is on the minus strand). VCF-style: chr16-23635812-G-C. GRCh37 (hg19) VCF-style: chr16-23647133-G-C.
Other names: c.674C>G, p.Ala225Gly (NM_001407296.1); c.734C>G, p.Ala245Gly (NM_001407297.1, NM_001407298.1, NM_001407299.1 and 3 more transcripts); c.-152C>G (NM_001407304.1, NM_001407305.1, NM_001407306.1 and 5 more transcripts); c.48+5298C>G (NM_001407314.1); c.-105+5298C>G (NM_001407313.1, NM_001407312.1); short protein forms A225G, A245G.
Identifiers: ClinVar variation 2830394 (VCV002830394.3), dbSNP rs571063157, ClinGen allele CA7963766.